The following is an entry in ClinVar:

NM_001621.5(AHR):c.1246_1254del (p.Ala416_Asn418del)

Gene: AHR (aryl hydrocarbon receptor; plus strand). Cytogenetic location: 7p21.1.
Variant type: Deletion.
Coding change: c.1246_1254del on transcript NM_001621.5 (MANE Select); coding-DNA positions 1246 to 1254, 9 bases deleted (GCAACCAAC; older notation c.1246_1254delGCAACCAAC).
Protein change: p.Ala416_Asn418del.
Molecular consequence: inframe deletion.
Genome position (GRCh38, 1-based): chr7:17,339,071-17,339,079, GCAACCAAC deleted. VCF-style (leftmost placement, unchanged base first): chr7-17339070-GGCAACCAAC-G. GRCh37 (hg19) VCF-style: chr7-17378694-GGCAACCAAC-G.
Identifiers: ClinVar variation 978805 (VCV000978805.3), dbSNP rs764425858, ClinGen allele CA4172057.

ClinVar aggregate classification (germline): Uncertain significance (0 of 4 stars; one submission).

Conditions:
GH-secreting pituitary adenoma.

Allele frequency attached by ClinVar (database versions not stated): gnomAD exomes below 0.00001; ExAC 0.00001.

Submission:

Institute for Systems Analysis and Computer Science "A. Ruberti", National Research Council
Classification: Uncertain significance for GH-secreting pituitary adenoma. Last evaluated: 2020-04-29. Review status: no assertion criteria provided. Collection method: research. Allele origin: somatic. Inheritance: Somatic mutation. Affected: yes. Observed: 6 variant alleles.
Comment: This somatic variant has not been reported in the literature in individual with Growth Hormone-secreting macroadenoma. It is a somatic in frame deletion detected exclusively in the tumor tissue. It is located within a regulatory region of AHR with structural feature resembling an enhancer. The lack of coding sequence in this region might affect protein structure and contribute to alter AHR function. Functional impact however needs to be clarified. Therefore, it has been classified as a Variant of Uncertain Significance.